The following is an entry in ClinVar:

NM_001130823.3(DNMT1):c.4733C>G (p.Thr1578Ser)

Genes: DNMT1 (DNA methyltransferase 1; minus strand), LOC126862853 (CDK7 strongly-dependent group 2 enhancer GRCh37_chr19:10246117-10247316; plus strand). Cytogenetic location: 19p13.2.
Variant type: single nucleotide variant.
Coding change: c.4733C>G on transcript NM_001130823.3 (MANE Select); coding-DNA position 4733, C replaced by G.
Protein change: p.Thr1578Ser; replaces threonine 1578 with serine.
Molecular consequence: missense variant.
Genome position (GRCh38, 1-based): chr19:10,135,776, G>C on the plus strand (C>G on the coding strand, the complement: DNMT1 is on the minus strand). VCF-style: chr19-10135776-G-C. GRCh37 (hg19) VCF-style: chr19-10246452-G-C.
Other names: c.4694C>G, p.Thr1565Ser (NM_001318730.2); c.4370C>G, p.Thr1457Ser (NM_001318731.2); c.4685C>G, p.Thr1562Ser (NM_001379.4); short protein forms T1457S, T1562S, T1565S, T1578S.
Identifiers: ClinVar variation 1013643 (VCV001013643.9), dbSNP rs1395078736, ClinGen allele CA403968004.

ClinVar aggregate classification (germline): Uncertain significance (1 of 4 stars; one submission).

Conditions:
Hereditary sensory neuropathy-deafness-dementia syndrome. Also called: HSN IE; Hereditary sensory neuropathy type IE; Hereditary Sensory and Autonomic Neuropathy Type 1E (HSAN1E); NEUROPATHY, HEREDITARY SENSORY, WITH HEARING LOSS AND DEMENTIA. Identifiers: Orphanet 456318, MedGen C3279885, MONDO:0013584, OMIM 614116.

Allele frequency attached by ClinVar (database versions not stated): gnomAD exomes below 0.00001; TOPMed below 0.00001.
gnomAD v4.1: 15 of 1,602,324 alleles (0.00094%); highest among the groups gnomAD compares: Non-Finnish European, 0.0011%; no homozygotes.

Submission:

Labcorp Genetics (formerly Invitae), Labcorp
Classification: Uncertain significance for Hereditary sensory neuropathy-deafness-dementia syndrome. Last evaluated: 2021-06-17. Review status: criteria provided, single submitter. Criteria: Invitae Variant Classification Sherloc (09022015). Collection method: clinical testing. Allele origin: germline.
Comment: Algorithms developed to predict the effect of missense changes on protein structure and function output the following: SIFT: "Tolerated"; PolyPhen-2: "Benign"; Align-GVGD: "Class C0". The serine amino acid residue is found in multiple mammalian species, suggesting that this missense change does not adversely affect protein function. These predictions have not been confirmed by published functional studies and their clinical significance is uncertain. Algorithms developed to predict the effect of sequence changes on RNA splicing suggest that this variant may create or strengthen a splice site, but this prediction has not been confirmed by published transcriptional studies. In summary, the available evidence is currently insufficient to determine the role of this variant in disease. Therefore, it has been classified as a Variant of Uncertain Significance. This sequence change replaces threonine with serine at codon 1578 of the DNMT1 protein (p.Thr1578Ser). The threonine residue is moderately conserved and there is a small physicochemical difference between threonine and serine. This variant is not present in population databases (ExAC no frequency). This variant has not been reported in the literature in individuals with DNMT1-related conditions.